The following is an entry in ClinVar:

ClinVar aggregate classification (germline): Likely pathogenic. Review status: criteria provided, multiple submitters, no conflicts (2 of 4 stars). 3 submissions from 3 submitters: Likely pathogenic (3). Last evaluated 2024-02-28.

Conditions:
Acute infantile liver failure due to synthesis defect of mtDNA-encoded proteins. Also called: LIVER FAILURE, INFANTILE, TRANSIENT; Liver failure acute infantile; TRMU Deficiency. Identifiers: Orphanet 217371, MedGen C3278664, MONDO:0013111, OMIM 613070.
Aminoglycoside-induced deafness. Also called: STREPTOMYCIN OTOTOXICITY; DEAFNESS, STREPTOMYCIN-INDUCED; MT-RNR1-Related Hearing Loss and Deafness. Identifiers: Orphanet 168609, MedGen C1838854, MONDO:0010799, OMIM 580000.

Allele frequency attached by ClinVar (database versions not stated): ExAC 0.00001; gnomAD exomes below 0.00001.
gnomAD v4.1: 1 of 1,613,974 alleles (0.000062%); highest among the groups gnomAD compares: South Asian, 0.0011%; no homozygotes.

Submissions (3):

Baylor Genetics
Classification: Likely pathogenic for Aminoglycoside-induced deafness. Last evaluated: 2024-02-28. Review status: criteria provided, single submitter. Criteria: ACMG Guidelines, 2015. Collection method: clinical testing. Allele origin: unknown.

Fulgent Genetics
Classification: Likely pathogenic for Aminoglycoside-induced deafness; Acute infantile liver failure due to synthesis defect of mtDNA-encoded proteins. Last evaluated: 2021-07-25. Review status: criteria provided, single submitter. Criteria: ACMG Guidelines, 2015. Collection method: clinical testing. Allele origin: unknown.

Labcorp Genetics (formerly Invitae), Labcorp
Classification: Likely pathogenic. Last evaluated: 2021-04-06. Review status: criteria provided, single submitter. Criteria: Invitae Variant Classification Sherloc (09022015). Collection method: clinical testing. Allele origin: germline.
Comment: Algorithms developed to predict the effect of sequence changes on RNA splicing suggest that this variant may disrupt the consensus splice site, but this prediction has not been confirmed by published transcriptional studies. This variant has not been reported in the literature in individuals with TRMU-related conditions. This variant is present in population databases (rs773484808, ExAC 0.006%). In summary, the currently available evidence indicates that the variant is pathogenic, but additional data are needed to prove that conclusively. Therefore, this variant has been classified as Likely Pathogenic. This sequence change affects an acceptor splice site in intron 9 of the TRMU gene. It is expected to disrupt RNA splicing. Variants that disrupt the donor or acceptor splice site typically lead to a loss of protein function (PMID: 16199547), and loss-of-function variants in TRMU are known to be pathogenic (PMID: 19732863, 23625533).

Literature cited by the submitters: PubMed 16199547 (cited by Labcorp Genetics (formerly Invitae), Labcorp); PubMed 19732863 (cited by Labcorp Genetics (formerly Invitae), Labcorp); PubMed 23625533 (cited by Labcorp Genetics (formerly Invitae), Labcorp).

NM_018006.5(TRMU):c.1019-1G>A

Gene: TRMU (tRNA mitochondrial 2-thiouridylase; plus strand). Cytogenetic location: 22q13.31.
Variant type: single nucleotide variant.
Coding change: c.1019-1G>A on transcript NM_018006.5 (MANE Select); the canonical splice acceptor site of the intron before coding-DNA position 1019, G replaced by A.
Molecular consequence: splice acceptor variant. On other transcripts: intron variant (2).
Genome position (GRCh38, 1-based): chr22:46,355,989, G>A. VCF-style: chr22-46355989-G-A. GRCh37 (hg19) VCF-style: chr22-46751886-G-A.
Other names: c.1018+401G>A (NM_001282785.2); c.677-1G>A (NM_001282782.2); c.599-1G>A (NM_001282783.2); c.598+401G>A (NM_001282784.2).
Identifiers: ClinVar variation 1346970 (VCV001346970.10), dbSNP rs773484808, ClinGen allele CA10292385.